The following is an entry in ClinVar:

NM_020458.4(TTC7A):c.2162del (p.Phe721fs)

Gene: TTC7A (tetratricopeptide repeat domain 7A; plus strand). Cytogenetic location: 2p21.
Variant type: Deletion.
Coding change: c.2162del on transcript NM_020458.4 (MANE Select); coding-DNA position 2162, one base deleted (T; older notation c.2162delT).
Protein change: p.Phe721fs; shifts the reading frame from phenylalanine 721.
Molecular consequence: frameshift variant.
Genome position (GRCh38, 1-based): chr2:47,060,778, T deleted; the last of 2 consecutive T bases (chr2:47,060,777-47,060,778); deleting either gives the same sequence. VCF-style (leftmost placement, unchanged base first): chr2-47060776-GT-G. GRCh37 (hg19) VCF-style: chr2-47287915-GT-G.
Other names: c.2234del, p.Phe745fs (NM_001288951.2); c.2060del, p.Phe687fs (NM_001288953.2); c.1100del, p.Phe367fs (NM_001288955.2); short protein forms F367fs, F687fs, F721fs, F745fs.
Identifiers: ClinVar variation 4850615 (VCV004850615.1).

ClinVar aggregate classification (germline): Likely pathogenic (1 of 4 stars; one submission).

Conditions:
Gastrointestinal defects and immunodeficiency syndrome 1 (GIDID1). Also called: Combined immunodeficiency-enteropathy spectrum. Identifiers: Orphanet 436252, MedGen C5968858, MONDO:0800030, OMIM 243150.

Submission:

First Genomix Gene Laboratory, Genetic Diagnostics Department
Classification: Likely pathogenic for Gastrointestinal defects and immunodeficiency syndrome 1. Last evaluated: 2025-12-28. Review status: criteria provided, single submitter. Criteria: ACMG Guidelines, 2015. Collection method: clinical testing. Allele origin: germline. Inheritance: Autosomal recessive inheritance. Affected: no. Observed: 1 variant allele.